The following is an entry in ClinVar:

ClinVar aggregate classification (germline): Conflicting classifications of pathogenicity. Review status: criteria provided, conflicting classifications (1 of 4 stars). 7 submissions from 7 submitters: Uncertain significance (1); Benign (1); Likely benign (5). Last evaluated 2025-12-15.

Conditions:
Familial thoracic aortic aneurysm and aortic dissection (TAAD). Also called: Thoracic aortic aneurysms and dissections. Identifiers: Orphanet 91387, MedGen C4707243, MONDO:0019625.
Aortic aneurysm, familial thoracic 4 (AAT4). Also called: AORTIC ANEURYSM/AORTIC DISSECTION AND PATENT DUCTUS ARTERIOSUS. Identifiers: MedGen C1851504, MONDO:0007568, OMIM 132900.

Allele frequency attached by ClinVar (database versions not stated): ExAC 0.00003; gnomAD exomes 0.00004 and 0.00007; ESP Exome Variant Server 0.00015; TOPMed 0.00034; gnomAD 0.00038 and 0.00039.
gnomAD v4.1: 132 of 1,603,988 alleles (0.0082%); highest among the groups gnomAD compares: African/African-American, 0.13%; 1 homozygote.

Submissions (7):

Labcorp Genetics (formerly Invitae), Labcorp
Classification: Likely benign for Aortic aneurysm, familial thoracic 4. Last evaluated: 2025-12-15. Review status: criteria provided, single submitter. Criteria: Invitae Variant Classification Sherloc (09022015). Collection method: clinical testing. Allele origin: germline.

Blueprint Genetics
Classification: Likely benign. Last evaluated: 2024-06-24. Review status: criteria provided, single submitter. Criteria: ACMG Guidelines, 2015. Collection method: clinical testing. Allele origin: germline.

All of Us Research Program, National Institutes of Health
Classification: Likely benign for Familial thoracic aortic aneurysm and aortic dissection. Last evaluated: 2024-02-05. Review status: criteria provided, single submitter. Criteria: ACMG Guidelines, 2015. Collection method: clinical testing. Allele origin: germline. Inheritance: Autosomal dominant inheritance. Observed: 18 variant alleles, 18 heterozygotes.
Comment: This study involves interpretation of variants in research participants for the purpose of population health screening. Participant phenotype was not available at the time of variant classification. Additional details can be found in publication PMID: 35346344, PMCID: PMC8962531

Women's Health and Genetics/Laboratory Corporation of America, LabCorp
Classification: Benign. Last evaluated: 2023-07-21. Review status: criteria provided, single submitter. Criteria: LabCorp Variant Classification Summary - May 2015. Collection method: clinical testing. Allele origin: germline.

Color Diagnostics, LLC DBA Color Health
Classification: Likely benign for Familial thoracic aortic aneurysm and aortic dissection. Last evaluated: 2018-11-16. Review status: criteria provided, single submitter. Criteria: ACMG Guidelines, 2015. Collection method: clinical testing. Allele origin: germline.

GeneDx
Classification: Likely benign. Last evaluated: 2018-08-29. Review status: criteria provided, single submitter. Criteria: GeneDx Variant Classification Process June 2021. Collection method: clinical testing. Allele origin: germline. Affected: yes.

Illumina Laboratory Services, Illumina
Classification: Uncertain significance for Aortic aneurysm, familial thoracic 4. Last evaluated: 2018-01-13. Review status: criteria provided, single submitter. Criteria: ICSL Variant Classification Criteria 13 December 2019. Collection method: clinical testing. Allele origin: germline.

NM_002474.3(MYH11):c.5296-10T>C

Genes: MYH11 (myosin heavy chain 11; minus strand), NDE1 (nudE neurodevelopment protein 1; plus strand). Cytogenetic location: 16p13.11.
Variant type: single nucleotide variant.
Coding change: c.5296-10T>C on transcript NM_002474.3 (MANE Select); 10 bases into the intron before coding-DNA position 5296, T replaced by C.
Molecular consequence: intron variant.
Genome position (GRCh38, 1-based): chr16:15,717,358, A>G on the plus strand (T>C on the coding strand, the complement: MYH11 is on the minus strand). VCF-style: chr16-15717358-A-G. GRCh37 (hg19) VCF-style: chr16-15811215-A-G.
Other names: c.948-6833A>G (NM_001143979.2, NM_017668.3); c.5296-10T>C (NM_022844.3); c.5317-10T>C (NM_001040114.2, NM_001040113.2).
Identifiers: ClinVar variation 318098 (VCV000318098.23), dbSNP rs111858392, ClinGen allele CA7921310.